The following is an entry in ClinVar:

ClinVar aggregate classification (germline): Likely benign. Review status: criteria provided, multiple submitters, no conflicts (2 of 4 stars). 2 submissions from 2 submitters: Likely benign (2). Last evaluated 2025-08-31.

Conditions:
DYNC2I2-related disorder. Also called: DYNC2I2-related condition.
Short-rib thoracic dysplasia 11 with or without polydactyly (SRTD11). Also called: SHORT-RIB THORACIC DYSPLASIA 11 WITHOUT POLYDACTYLY. Identifiers: Orphanet 474, Orphanet 93271, MedGen C3810200, MONDO:0014287, OMIM 615633.

Allele frequency attached by ClinVar (database versions not stated): gnomAD 0.00001; ExAC 0.00007.
gnomAD v4.1: 34 of 1,510,426 alleles (0.0023%); highest among the groups gnomAD compares: Non-Finnish European, 0.0029%; no homozygotes.

Submissions (2):

Labcorp Genetics (formerly Invitae), Labcorp
Classification: Likely benign for Short-rib thoracic dysplasia 11 with or without polydactyly. Last evaluated: 2025-08-31. Review status: criteria provided, single submitter. Criteria: Invitae Variant Classification Sherloc (09022015). Collection method: clinical testing. Allele origin: germline.

PreventionGenetics, part of Exact Sciences
Classification: Likely benign for DYNC2I2-related condition. Last evaluated: 2024-12-09. Review status: criteria provided, single submitter. Criteria: ACMG Guidelines, 2015. Collection method: clinical testing. Allele origin: germline.
Comment: This variant is classified as likely benign based on ACMG/AMP sequence variant interpretation guidelines (Richards et al. 2015 PMID: 25741868, with internal and published modifications).

NM_052844.4(DYNC2I2):c.72C>T (p.Val24=)

Gene: DYNC2I2 (dynein 2 intermediate chain 2; minus strand). Cytogenetic location: 9q34.11.
Variant type: single nucleotide variant.
Coding change: c.72C>T on transcript NM_052844.4 (MANE Select); coding-DNA position 72, C replaced by T.
Protein change: p.Val24=; no amino-acid change (valine 24 retained).
Molecular consequence: synonymous variant.
Genome position (GRCh38, 1-based): chr9:128,656,655, G>A on the plus strand (C>T on the coding strand, the complement: DYNC2I2 is on the minus strand). VCF-style: chr9-128656655-G-A. GRCh37 (hg19) VCF-style: chr9-131418934-G-A.
Other names: c.72C>T (NM_052844.3).
Identifiers: ClinVar variation 2065529 (VCV002065529.5), dbSNP rs773194503, ClinGen allele CA5266752.